The following is an entry in ClinVar:

NM_007272.3(CTRC):c.490T>C (p.Trp164Arg)

Gene: CTRC (chymotrypsin C; plus strand). Cytogenetic location: 1p36.21.
Variant type: single nucleotide variant.
Coding change: c.490T>C on transcript NM_007272.3 (MANE Select); coding-DNA position 490, T replaced by C.
Protein change: p.Trp164Arg; replaces tryptophan 164 with arginine.
Molecular consequence: missense variant.
Genome position (GRCh38, 1-based): chr1:15,443,552, T>C. VCF-style: chr1-15443552-T-C. GRCh37 (hg19) VCF-style: chr1-15770047-T-C.
Other names: short protein forms W164R.
Identifiers: ClinVar variation 2987814 (VCV002987814.3), dbSNP rs2526297495, ClinGen allele CA338566301.

ClinVar aggregate classification (germline): Uncertain significance (1 of 4 stars; one submission).

Conditions:
Hereditary pancreatitis (PCTT). Also called: Hereditary chronic pancreatitis; PRSS1-Related Hereditary Pancreatitis. Identifiers: Orphanet 676, MedGen C0238339, MONDO:0008185, OMIM 167800.

Allele frequency attached by ClinVar (database versions not stated): gnomAD exomes below 0.00001.
gnomAD v4.1: 1 of 1,614,202 alleles (0.000062%); highest among the groups gnomAD compares: Non-Finnish European, 0.000085%; no homozygotes.

Submission:

Labcorp Genetics (formerly Invitae), Labcorp
Classification: Uncertain significance for Hereditary pancreatitis. Last evaluated: 2023-08-24. Review status: criteria provided, single submitter. Criteria: Invitae Variant Classification Sherloc (09022015). Collection method: clinical testing. Allele origin: germline.
Comment: In summary, the available evidence is currently insufficient to determine the role of this variant in disease. Therefore, it has been classified as a Variant of Uncertain Significance. Advanced modeling of protein sequence and biophysical properties (such as structural, functional, and spatial information, amino acid conservation, physicochemical variation, residue mobility, and thermodynamic stability) performed at Invitae indicates that this missense variant is not expected to disrupt CTRC protein function. This variant has not been reported in the literature in individuals affected with CTRC-related conditions. This variant is not present in population databases (gnomAD no frequency). This sequence change replaces tryptophan, which is neutral and slightly polar, with arginine, which is basic and polar, at codon 164 of the CTRC protein (p.Trp164Arg).